The following is an entry in ClinVar:

NM_014633.5(CTR9):c.1181G>A (p.Arg394Gln)

Genes: CTR9 (CTR9 component of Paf1/RNA polymerase II complex; plus strand), LOC126861140 (CDK7 strongly-dependent group 2 enhancer GRCh37_chr11:10785333-10786532; plus strand). Cytogenetic location: 11p15.4.
Variant type: single nucleotide variant.
Coding change: c.1181G>A on transcript NM_014633.5 (MANE Select); coding-DNA position 1181, G replaced by A.
Protein change: p.Arg394Gln; replaces arginine 394 with glutamine.
Molecular consequence: missense variant.
Genome position (GRCh38, 1-based): chr11:10,763,866, G>A. VCF-style: chr11-10763866-G-A. GRCh37 (hg19) VCF-style: chr11-10785413-G-A.
Other names: c.1181G>A, p.Arg394Gln (NM_001346279.2); short protein forms R394Q.
Identifiers: ClinVar variation 1446337 (VCV001446337.6), dbSNP rs780352403, ClinGen allele CA5885026.

ClinVar aggregate classification (germline): Uncertain significance (1 of 4 stars; one submission).

Allele frequency attached by ClinVar (database versions not stated): TOPMed below 0.00001; gnomAD 0.00001; gnomAD exomes 0.00001; ExAC 0.00003.

Submission:

Labcorp Genetics (formerly Invitae), Labcorp
Classification: Uncertain significance. Last evaluated: 2024-10-09. Review status: criteria provided, single submitter. Criteria: Invitae Variant Classification Sherloc (09022015). Collection method: clinical testing. Allele origin: germline.
Comment: This sequence change replaces arginine, which is basic and polar, with glutamine, which is neutral and polar, at codon 394 of the CTR9 protein (p.Arg394Gln). This variant is present in population databases (rs780352403, gnomAD 0.01%). This variant has not been reported in the literature in individuals affected with CTR9-related conditions. ClinVar contains an entry for this variant (Variation ID: 1446337). An algorithm developed to predict the effect of missense changes on protein structure and function (PolyPhen-2) suggests that this variant is likely to be tolerated. In summary, the available evidence is currently insufficient to determine the role of this variant in disease. Therefore, it has been classified as a Variant of Uncertain Significance.